The following is an entry in ClinVar:

ClinVar aggregate classification (germline): Uncertain significance. Review status: criteria provided, multiple submitters, no conflicts (2 of 4 stars). 2 submissions from 2 submitters: Uncertain significance (2). Last evaluated 2024-02-03.

Conditions:
Genitopatellar syndrome (GTPTS). Also called: ABSENT PATELLAE, SCROTAL HYPOPLASIA, RENAL ANOMALIES, FACIAL DYSMORPHISM, AND MENTAL RETARDATION; Genitopatellar syndrome (GPS). Identifiers: Orphanet 85201, MedGen C1853566, MONDO:0011640, OMIM 606170.
Blepharophimosis - intellectual disability syndrome, SBBYS type (SBBYSS). Also called: Say-Barber-Biesecker-Young-Simpson variant of Ohdo Syndrome; Say-Barber-Biesecker Variant of Ohdo Syndrome; Ohdo syndrome, SBBYS variant; SBBYSS syndrome; Say-Barber-Biesecker-Young-Simpson syndrome; Say-Barber-Biesecker variant of Ohdo syndrome (SBBYSS). Identifiers: Orphanet 3047, MedGen C1863557, MONDO:0011365, OMIM 603736.
KAT6B-related disorder. Also called: KAT6B-related disorders; KAT6B-related condition.

Allele frequency attached by ClinVar (database versions not stated): gnomAD exomes below 0.00001; gnomAD 0.00001; TOPMed 0.00001.

Submissions (2):

Fulgent Genetics
Classification: Uncertain significance for Blepharophimosis - intellectual disability syndrome, SBBYS type; Genitopatellar syndrome. Last evaluated: 2024-02-03. Review status: criteria provided, single submitter. Criteria: ACMG Guidelines, 2015. Collection method: clinical testing. Allele origin: germline.

PreventionGenetics, part of Exact Sciences
Classification: Uncertain significance for KAT6B-related condition. Last evaluated: 2023-08-14. Review status: criteria provided, single submitter. Criteria: ACMG Guidelines, 2015. Collection method: clinical testing. Allele origin: germline.
Comment: The KAT6B c.2557T>C variant is predicted to result in the amino acid substitution p.Tyr853His. To our knowledge, this variant has not been reported in the literature or in a large population database, indicating this variant is rare. At this time, the clinical significance of this variant is uncertain due to the absence of conclusive functional and genetic evidence.

NM_012330.4(KAT6B):c.2557T>C (p.Tyr853His)

Gene: KAT6B (lysine acetyltransferase 6B; plus strand). Cytogenetic location: 10q22.2.
Variant type: single nucleotide variant.
Coding change: c.2557T>C on transcript NM_012330.4 (MANE Select); coding-DNA position 2557, T replaced by C.
Protein change: p.Tyr853His; replaces tyrosine 853 with histidine.
Molecular consequence: missense variant.
Genome position (GRCh38, 1-based): chr10:74,989,040, T>C. VCF-style: chr10-74989040-T-C. GRCh37 (hg19) VCF-style: chr10-76748798-T-C.
Other names: c.2008T>C, p.Tyr670His (NM_001256468.2, NM_001370138.1); c.1681T>C, p.Tyr561His (NM_001256469.2, NM_001370139.1, NM_001370140.1 and 2 more transcripts); c.1519T>C, p.Tyr507His (NM_001370132.1); c.1492T>C, p.Tyr498His (NM_001370143.1, NM_001370144.1); c.868T>C, p.Tyr290His (NM_001370133.1); c.472T>C, p.Tyr158His (NM_001370134.1); c.214T>C, p.Tyr72His (NM_001370135.1); c.2557T>C, p.Tyr853His (NM_001370136.1, NM_001370137.1); short protein forms Y158H, Y290H, Y498H, Y507H, Y561H, Y670H, Y72H, Y853H.
Identifiers: ClinVar variation 2629475 (VCV002629475.2), dbSNP rs1350442176, ClinGen allele CA377294562.